The following is an entry in ClinVar:

NM_000342.4(SLC4A1):c.1783T>A (p.Ser595Thr)

Gene: SLC4A1 (solute carrier family 4 member 1 (Diego blood group); minus strand). Cytogenetic location: 17q21.31.
Variant type: single nucleotide variant.
Coding change: c.1783T>A on transcript NM_000342.4 (MANE Select); coding-DNA position 1783, T replaced by A.
Protein change: p.Ser595Thr; replaces serine 595 with threonine.
Molecular consequence: missense variant.
Genome position (GRCh38, 1-based): chr17:44,255,690, A>T on the plus strand (T>A on the coding strand, the complement: SLC4A1 is on the minus strand). VCF-style: chr17-44255690-A-T. GRCh37 (hg19) VCF-style: chr17-42333058-A-T.
Other names: short protein forms S595T.
Identifiers: ClinVar variation 4848004 (VCV004848004.1).

ClinVar aggregate classification (germline): Uncertain significance (1 of 4 stars; one submission).

Submission:

Women's Health and Genetics/Laboratory Corporation of America, LabCorp
Classification: Uncertain significance. Last evaluated: 2026-02-06. Review status: criteria provided, single submitter. Criteria: LabCorp Variant Classification Summary - May 2015. Collection method: clinical testing. Allele origin: germline.
Comment: Variant summary: SLC4A1 c.1783T>A (p.Ser595Thr) results in a conservative amino acid change in the encoded protein sequence. Algorithms developed to predict the effect of missense changes on protein structure and function all suggest that this variant is likely to be tolerated. The variant was absent in 251440 control chromosomes. The available data on variant occurrences in the general population are insufficient to allow any conclusion about variant significance. To our knowledge, no occurrence of c.1783T>A in individuals affected with SLC4A1-related conditions and no experimental evidence demonstrating its impact on protein function have been reported. No submitters have cited clinical-significance assessments for this variant to ClinVar. Based on the evidence outlined above, the variant was classified as uncertain significance.